The following is an entry in ClinVar:

ClinVar aggregate classification (germline): Conflicting classifications of pathogenicity. Review status: criteria provided, conflicting classifications (1 of 4 stars). 3 submissions from 3 submitters: Uncertain significance (1); Likely benign (1). 1 of the submissions does not count toward it. Last evaluated 2024-03-26.

Conditions:
DGUOK-related disorder. Also called: DGUOK-related condition.

Allele frequency attached by ClinVar (database versions not stated): gnomAD exomes 0.00001; TOPMed 0.00007; gnomAD 0.00009 and 0.00010.
gnomAD v4.1: 27 of 1,612,868 alleles (0.0017%); highest among the groups gnomAD compares: African/African-American, 0.016%; no homozygotes.

Submissions (3):

Labcorp Genetics (formerly Invitae), Labcorp
Classification: Likely benign. Last evaluated: 2024-03-26. Review status: criteria provided, single submitter. Criteria: Invitae Variant Classification Sherloc (09022015). Collection method: clinical testing. Allele origin: germline.

Eurofins Ntd Llc (ga)
Classification: Uncertain significance. Last evaluated: 2016-11-18. Review status: criteria provided, single submitter. Criteria: EGL Classification Definitions 2015. Collection method: clinical testing. Allele origin: germline. Observed: 1 variant allele, 1 heterozygote.

PreventionGenetics, part of Exact Sciences
Classification: Likely benign for DGUOK-related condition. Last evaluated: 2022-06-02. Review status: no assertion criteria provided. Collection method: clinical testing. Allele origin: germline. Not counted in ClinVar's aggregate classification.
Comment: This variant is classified as likely benign based on ACMG/AMP sequence variant interpretation guidelines (Richards et al. 2015 PMID: 25741868, with internal and published modifications).

NM_080916.3(DGUOK):c.60G>A (p.Lys20=)

Genes: DGUOK (deoxyguanosine kinase; plus strand), LOC129934096 (ATAC-STARR-seq lymphoblastoid active region 16036; plus strand). Cytogenetic location: 2p13.1.
Variant type: single nucleotide variant.
Coding change: c.60G>A on transcript NM_080916.3 (MANE Select); coding-DNA position 60, G replaced by A.
Protein change: p.Lys20=; no amino-acid change (lysine 20 retained).
Molecular consequence: synonymous variant. On other transcripts: 5 prime UTR variant (4), non-coding transcript variant (6).
Genome position (GRCh38, 1-based): chr2:73,926,970, G>A. VCF-style: chr2-73926970-G-A. GRCh37 (hg19) VCF-style: chr2-74154097-G-A.
Other names: c.60G>A, p.Lys20= (NM_001318859.2, NM_080918.3); c.-119G>A (NM_001318860.2, NM_001318863.2); c.-205G>A (NM_001318861.2, NM_001318862.2); c.60G>A (NM_080916.2).
Identifiers: ClinVar variation 498112 (VCV000498112.11), dbSNP rs961313523, ClinGen allele CA50398106.
Genomic context (GRCh38, chr2:73,926,970, plus strand): 5'-GATGGCCGCGGGCCGCCTCTTTCTAAGTCGGCTTCGAGCACCCTTCAGTTCCATGGCCAA[G>A]AGCCCACTCGAGGGCGTTTCCTCCTCCAGAGGCCTGCACGCGGGGCGCGGGCCCCGAAGG-3'
Protein context (NP_550438.1, residues 10-30): RLRAPFSSMA[Lys20=]SPLEGVSSSR